The following is an entry in ClinVar:

NM_001162501.2(TNRC6B):c.1084A>G (p.Arg362Gly)

Gene: TNRC6B (trinucleotide repeat containing adaptor 6B; plus strand). Cytogenetic location: 22q13.1.
Variant type: single nucleotide variant.
Coding change: c.1084A>G on transcript NM_001162501.2 (MANE Select); coding-DNA position 1084, A replaced by G.
Protein change: p.Arg362Gly; replaces arginine 362 with glycine.
Molecular consequence: missense variant. On other transcripts: intron variant (1).
Genome position (GRCh38, 1-based): chr22:40,265,314, A>G. VCF-style: chr22-40265314-A-G. GRCh37 (hg19) VCF-style: chr22-40661318-A-G.
Other names: c.1084A>G, p.Arg362Gly (NM_015088.3); c.565+3141A>G (NM_001024843.2); short protein forms R362G.
Identifiers: ClinVar variation 3363318 (VCV003363318.1).

ClinVar aggregate classification (germline): Uncertain significance (1 of 4 stars; one submission).

Submission:

GeneDx
Classification: Uncertain significance. Last evaluated: 2023-10-25. Review status: criteria provided, single submitter. Criteria: GeneDx Variant Classification Process June 2021. Collection method: clinical testing. Allele origin: germline. Affected: yes.
Comment: Not observed at significant frequency in large population cohorts (gnomAD); In silico analysis supports that this missense variant does not alter protein structure/function; Has not been previously published as pathogenic or benign to our knowledge